The following is an entry in ClinVar:

ClinVar aggregate classification (germline): Pathogenic (1 of 4 stars; one submission).

Conditions:
Hydrocephalus, nonsyndromic, autosomal recessive 1 (HYC1). Also called: Hydrocephalus, nonsyndromic, autosomal recessive; Congenital hydrocephalus 1. Identifiers: Orphanet 2185, MedGen C3887608, MONDO:0009360, OMIM 236600.

Submission:

Myriad Genetics, Inc.
Classification: Pathogenic for Hydrocephalus, nonsyndromic, autosomal recessive 1. Last evaluated: 2025-02-27. Review status: criteria provided, single submitter. Criteria: Myriad Autosomal Dominant, Autosomal Recessive and X-Linked Classification Criteria (2023). Collection method: clinical testing. Allele origin: unknown.
Comment: NM_001080414.3(CCDC88C):c.1237G>T(E413*) is expected to be pathogenic in the context of congenital hydrocephalus, CCDC88C-related. This variant is predicted to lead to an abnormal or absent protein product due to the creation of a premature termination codon in CCDC88C, a gene where loss-of-function variants are known to be pathogenic. Please note: this variant was assessed in the context of healthy population screening.

NM_001080414.4(CCDC88C):c.1237G>T (p.Glu413Ter)

Gene: CCDC88C (coiled-coil and HOOK domain protein 88C; minus strand). Cytogenetic location: 14q32.11.
Variant type: single nucleotide variant.
Coding change: c.1237G>T on transcript NM_001080414.4 (MANE Select); coding-DNA position 1237, G replaced by T.
Protein change: p.Glu413Ter; replaces glutamic acid 413 with a stop codon.
Molecular consequence: nonsense. On other transcripts: non-coding transcript variant (2).
Genome position (GRCh38, 1-based): chr14:91,324,884, C>A on the plus strand (G>T on the coding strand, the complement: CCDC88C is on the minus strand). VCF-style: chr14-91324884-C-A. GRCh37 (hg19) VCF-style: chr14-91791228-C-A.
Other names: short protein forms E413*.
Identifiers: ClinVar variation 5014143 (VCV005014143.1).